The following is an entry in ClinVar:

NM_001378122.1(SH3D19):c.1937G>A (p.Arg646Gln)

Gene: SH3D19 (SH3 domain containing 19; minus strand). Cytogenetic location: 4q31.3.
Variant type: single nucleotide variant.
Coding change: c.1937G>A on transcript NM_001378122.1 (MANE Select); coding-DNA position 1937, G replaced by A.
Protein change: p.Arg646Gln; replaces arginine 646 with glutamine.
Molecular consequence: missense variant.
Genome position (GRCh38, 1-based): chr4:151,148,067, C>T on the plus strand (G>A on the coding strand, the complement: SH3D19 is on the minus strand). VCF-style: chr4-151148067-C-T. GRCh37 (hg19) VCF-style: chr4-152069219-C-T.
Other names: c.1097G>A, p.Arg366Gln (NM_001009555.4, NM_001128923.2, NM_001243349.2 and 6 more transcripts); c.989G>A, p.Arg330Gln (NM_001128924.2); c.1937G>A, p.Arg646Gln (NM_001378121.1); c.1760G>A, p.Arg587Gln (NM_001378123.1, NM_001378124.1); short protein forms R330Q, R366Q, R587Q, R646Q.
Identifiers: ClinVar variation 3033023 (VCV003033023.2), dbSNP rs186990819, ClinGen allele CA3104684.
Genomic context (GRCh38, chr4:151,148,067, plus strand): 5'-TTTGAGAGTCCAGTTGCCAAGTTACTTTGTTTTTTCTGAAGATCCATGTCAGAAGAGGAT[C>T]GATTAAAAGGCAGTTTCTTATTAGATCTTCTGGTTGCAGAAAGCTTTGGGGGAGGTGGTC-3'
Protein context (NP_001365051.1, residues 636-656): RRSNKKLPFN[Arg646Gln]SSSDMDLQKK

ClinVar aggregate classification (germline): Likely benign (0 of 4 stars; one submission).

Conditions:
SH3D19-related disorder. Also called: SH3D19-related condition.

Allele frequency attached by ClinVar (database versions not stated): gnomAD exomes 0.00006; TOPMed 0.00012; gnomAD 0.00013; 1000 Genomes Project 30x 0.00016; 1000 Genomes Project 0.00020; ExAC 0.00029.
gnomAD v4.1: 113 of 1,613,952 alleles (0.007%); highest among the groups gnomAD compares: East Asian, 0.13%; no homozygotes.

Submission:

PreventionGenetics, part of Exact Sciences
Classification: Likely benign for SH3D19-related condition. Last evaluated: 2023-04-19. Review status: no assertion criteria provided. Collection method: clinical testing. Allele origin: germline.
Comment: This variant is classified as likely benign based on ACMG/AMP sequence variant interpretation guidelines (Richards et al. 2015 PMID: 25741868, with internal and published modifications).